The following is an entry in ClinVar:

ClinVar aggregate classification (germline): Uncertain significance (1 of 4 stars; one submission).

Conditions:
Hereditary hyperekplexia. Identifiers: Orphanet 3197, MedGen C4084968, MONDO:0021022.

Submission:

Labcorp Genetics (formerly Invitae), Labcorp
Classification: Uncertain significance for Hereditary hyperekplexia. Last evaluated: 2023-02-20. Review status: criteria provided, single submitter. Criteria: Invitae Variant Classification Sherloc (09022015). Collection method: clinical testing. Allele origin: germline.
Comment: In summary, the available evidence is currently insufficient to determine the role of this variant in disease. Therefore, it has been classified as a Variant of Uncertain Significance. Advanced modeling of protein sequence and biophysical properties (such as structural, functional, and spatial information, amino acid conservation, physicochemical variation, residue mobility, and thermodynamic stability) performed at Invitae indicates that this missense variant is expected to disrupt GLRA1 protein function. This variant has not been reported in the literature in individuals affected with GLRA1-related conditions. This variant is not present in population databases (gnomAD no frequency). This sequence change replaces methionine, which is neutral and non-polar, with valine, which is neutral and non-polar, at codon 168 of the GLRA1 protein (p.Met168Val).

NM_000171.4(GLRA1):c.502A>G (p.Met168Val)

Gene: GLRA1 (glycine receptor alpha 1; minus strand). Cytogenetic location: 5q33.1.
Variant type: single nucleotide variant.
Coding change: c.502A>G on transcript NM_000171.4 (MANE Select); coding-DNA position 502, A replaced by G.
Protein change: p.Met168Val; replaces methionine 168 with valine.
Molecular consequence: missense variant.
Genome position (GRCh38, 1-based): chr5:151,856,358, T>C on the plus strand (A>G on the coding strand, the complement: GLRA1 is on the minus strand). VCF-style: chr5-151856358-T-C. GRCh37 (hg19) VCF-style: chr5-151235919-T-C.
Other names: c.502A>G, p.Met168Val (NM_001146040.2); c.253A>G, p.Met85Val (NM_001292000.2); short protein forms M85V, M168V.
Identifiers: ClinVar variation 1942345 (VCV001942345.5), dbSNP rs1753042977, ClinGen allele CA361840778.